The following is an entry in ClinVar:

ClinVar aggregate classification (germline): no classifications from unflagged records (0 of 4 stars; one submission).

Conditions:
Premature birth. Identifiers: MedGen C0151526, HP:0001622.
Astigmatism. Identifiers: MedGen C0004106, MONDO:0011284, OMIM 603047, HP:0000483.
Patent foramen ovale. Identifiers: MedGen C0016522, MONDO:0020439, HP:0001655.
Abnormality of the face. Identifiers: MedGen C4025871, HP:0000271.
Congenital ocular coloboma. Also called: COLOBOMA OF IRIS, CHOROID, AND RETINA; COLOBOMA, UVEORETINAL; Coloboma of eye; Coloboma. Identifiers: Orphanet 194, MedGen C0009363, MONDO:0001476, HP:0000589.

Submission:

Institute of Human Genetics, University of Leipzig Medical Center
Classification: Uncertain significance for Microcephaly; Abnormality of the face; Astigmatism; Hypermetropia; Congenital ocular coloboma; Global developmental delay; Small for gestational age; Premature birth; Pulmonic stenosis; Patent foramen ovale. Last evaluated: 2020-11-27. Review status: flagged submission. Criteria: ACMG/ClinGen CNV Guidelines, 2019. Collection method: clinical testing. Allele origin: de novo. Affected: yes.
ClinVar note: Notes: This submission was flagged because its interpretation of this variant conflicts with the ClinGen Gene Dosage Map curation for the gene BAG3.
ClinVar note: Reason: Conflict with ClinGen Gene Dosage Map

GRCh37/hg19 10q25.3-26.12(chr10:118891670-122349064)x1

Genes: BAG3 (BAG cochaperone 3; plus strand), CACUL1 (CDK2 associated cullin domain 1; minus strand), CASC2 (cancer susceptibility 2; plus strand), DENND10 (DENN domain containing 10; plus strand), EIF3A (eukaryotic translation initiation factor 3 subunit A; minus strand) and 19 more. Cytogenetic location: 10q25.3-26.12.
Variant type: copy number loss.
Change: copy number 1 (one copy instead of two) of chr10:118,891,670-122,349,064 (3.46 Mb, GRCh37 coordinates, 1-based), cytogenetic band 10q25.3-26.12.
Identifiers: ClinVar variation 1330213 (VCV001330213.1).